The following is an entry in ClinVar:

ClinVar aggregate classification (germline): Pathogenic. Review status: no assertion criteria provided (0 of 4 stars). 2 submissions from 2 submitters: Pathogenic (1). 1 of the submissions does not count toward it. Last evaluated 2002-03-01.

Conditions:
Capillary infantile hemangioma. Also called: Hemangioma, capillary infantile, somatic; HEMANGIOMA, HEREDITARY CAPILLARY; Hereditary capillary infantile hemangioma. Identifiers: MedGen C1865871, MONDO:0011191, OMIM 602089.

Allele frequency attached by ClinVar (database versions not stated): gnomAD 0.00003; TOPMed 0.00010; ExAC 0.00012.
gnomAD v4.1: 403 of 1,613,886 alleles (0.025%); highest among the groups gnomAD compares: Non-Finnish European, 0.032%; no homozygotes.

Submissions (2):

ITMI
No classification provided. Condition: AllHighlyPenetrant. Last evaluated: 2013-09-19. Review status: no classification provided. Collection method: reference population. Allele origin: germline. Not counted in ClinVar's aggregate classification.
Comment: Please see associated publication for description of ethnicities

OMIM
Classification: Pathogenic for HEMANGIOMA, CAPILLARY INFANTILE, SOMATIC. Last evaluated: 2002-03-01. Review status: no assertion criteria provided. Collection method: literature only. Allele origin: somatic.

Literature cited by the submitters: PubMed 24728327 (cited by ITMI); PubMed 11807987 (cited by OMIM).

NM_002253.4(KDR):c.3439C>T (p.Pro1147Ser)

Gene: KDR (kinase insert domain receptor; minus strand). Cytogenetic location: 4q12.
Variant type: single nucleotide variant.
Coding change: c.3439C>T on transcript NM_002253.4 (MANE Select); coding-DNA position 3439, C replaced by T.
Protein change: p.Pro1147Ser; replaces proline 1147 with serine.
Molecular consequence: missense variant.
Genome position (GRCh38, 1-based): chr4:55,088,939, G>A on the plus strand (C>T on the coding strand, the complement: KDR is on the minus strand). VCF-style: chr4-55088939-G-A. GRCh37 (hg19) VCF-style: chr4-55955106-G-A.
Other names: short protein forms P1147S.
Identifiers: ClinVar variation 12317 (VCV000012317.1), dbSNP rs121917766, ClinGen allele CA122126.
Genomic context (GRCh38, chr4:55,088,939, plus strand): 5'-TAGCTTGCAAGAGATTTCCCAAATGTTCCACCAACTCTGAAAACGTGGGTCTCTGACTGG[G>A]CTCCCCGTGCCAGCAGTCCAGCATGGTCTGGTACCTAGAGAAGCAAAACACTGATTTCAT-3'
Protein context (NP_002244.1, residues 1137-1157): QTMLDCWHGE[Pro1147Ser]SQRPTFSELV